The following is an entry in ClinVar:

NM_033116.6(NEK9):c.1327+1G>T

Gene: NEK9 (NIMA related kinase 9; minus strand). Cytogenetic location: 14q24.3.
Variant type: single nucleotide variant.
Coding change: c.1327+1G>T on transcript NM_033116.6 (MANE Select); the canonical splice donor site of the intron after coding-DNA position 1327, G replaced by T.
Molecular consequence: splice donor variant.
Genome position (GRCh38, 1-based): chr14:75,107,342, C>A on the plus strand (G>T on the coding strand, the complement: NEK9 is on the minus strand). VCF-style: chr14-75107342-C-A. GRCh37 (hg19) VCF-style: chr14-75574045-C-A.
Other names: c.973+1G>T (NM_001329238.2); c.1327+1G>T (NM_001329237.2).
Identifiers: ClinVar variation 1031033 (VCV001031033.1), dbSNP rs1327520738, ClinGen allele CA390449030.

ClinVar aggregate classification (germline): Likely pathogenic (1 of 4 stars; one submission).

Conditions:
Arthrogryposis, Perthes disease, and upward gaze palsy. Identifiers: MedGen C3280309, MONDO:0013660, OMIM 614262.

Allele frequency attached by ClinVar (database versions not stated): gnomAD exomes below 0.00001; TOPMed below 0.00001.
gnomAD v4.1: 1 of 1,611,758 alleles (0.000062%); highest among the groups gnomAD compares: Non-Finnish European, 0.000085%; no homozygotes.

Submission:

Baylor Genetics
Classification: Likely pathogenic for Arthrogryposis, Perthes disease, and upward gaze palsy. Last evaluated: 2019-09-30. Review status: criteria provided, single submitter. Criteria: ACMG Guidelines, 2015. Collection method: clinical testing. Allele origin: unknown. Affected: yes.
Comment: This variant was determined to be likely pathogenic according to ACMG Guidelines, 2015 [PMID:25741868].